The following is an entry in ClinVar:

ClinVar aggregate classification (germline): Uncertain significance (0 of 4 stars; one submission).

Conditions:
CRELD1-related disorder. Also called: CRELD1-related condition.

Submission:

PreventionGenetics, part of Exact Sciences
Classification: Uncertain significance for CRELD1-related condition. Last evaluated: 2024-04-16. Review status: no assertion criteria provided. Collection method: clinical testing. Allele origin: germline.
Comment: The CRELD1 c.1169G>C variant is predicted to result in the amino acid substitution p.Gly390Ala. To our knowledge, this variant has not been reported in the literature or in a large population database, indicating this variant is rare. At this time, the clinical significance of this variant is uncertain due to the absence of conclusive functional and genetic evidence.

NM_001077415.3(CRELD1):c.1049-343G>C

Gene: CRELD1 (cysteine rich with EGF like domains 1; plus strand). Cytogenetic location: 3p25.3.
Variant type: single nucleotide variant.
Coding change: c.1049-343G>C on transcript NM_001077415.3 (MANE Select); 343 bases into the intron before coding-DNA position 1049, G replaced by C.
Molecular consequence: intron variant. On other transcripts: missense variant (3), 3 prime UTR variant (1).
Genome position (GRCh38, 1-based): chr3:9,944,022, G>C. VCF-style: chr3-9944022-G-C. GRCh37 (hg19) VCF-style: chr3-9985706-G-C.
Other names: c.1169G>C, p.Gly390Ala (NM_001031717.4); c.1181G>C, p.Gly394Ala (NM_001374317.1, NM_001374318.1); c.*271G>C (NM_001410713.1); c.965-343G>C (NM_001374319.1, NM_001374320.1); c.1049-343G>C (NM_001374316.1, NM_015513.6); short protein forms G390A, G394A.
Identifiers: ClinVar variation 3355542 (VCV003355542.1).